The following is an entry in ClinVar:

ClinVar aggregate classification (germline): Uncertain significance. Review status: criteria provided, multiple submitters, no conflicts (2 of 4 stars). 3 submissions from 3 submitters: Uncertain significance (2). 1 of the submissions does not count toward it. Last evaluated 2024-02-20.

Conditions:
LYST-related disorder. Also called: LYST-related condition.
Chédiak-Higashi syndrome (CHS). Also called: Chediak-Higashi Syndrome. Identifiers: Orphanet 167, MedGen C0007965, MONDO:0008963, OMIM 214500.

Allele frequency attached by ClinVar (database versions not stated): gnomAD exomes 0.00020; gnomAD 0.00025; TOPMed 0.00025; ExAC 0.00033; 1000 Genomes Project 0.00040; 1000 Genomes Project 30x 0.00047; ESP Exome Variant Server 0.00054.
gnomAD v4.1: 303 of 1,469,612 alleles (0.021%); highest among the groups gnomAD compares: Middle Eastern, 0.069%; no homozygotes.

Submissions (3):

Women's Health and Genetics/Laboratory Corporation of America, LabCorp
Classification: Uncertain significance. Last evaluated: 2024-02-20. Review status: criteria provided, single submitter. Criteria: LabCorp Variant Classification Summary - May 2015. Collection method: clinical testing. Allele origin: germline.
Comment: Variant summary: LYST c.*5G>A is located in the untranslated mRNA region downstream of the termination codon. The variant allele was found at a frequency of 0.00024 in 251456 control chromosomes (gnomAD). This frequency is not significantly higher than estimated for a pathogenic variant in LYST causing Chediak-Higashi Syndrome (0.00024 vs 0.0011), allowing no conclusion about variant significance. To our knowledge, no occurrence of c.*5G>A in individuals affected with Chediak-Higashi Syndrome and no experimental evidence demonstrating its impact on protein function have been reported. ClinVar contains an entry for this variant (Variation ID: 296342). Based on the evidence outlined above, the variant was classified as uncertain significance.

Illumina Laboratory Services, Illumina
Classification: Uncertain significance for Chédiak-Higashi syndrome. Last evaluated: 2018-01-13. Review status: criteria provided, single submitter. Criteria: ICSL Variant Classification Criteria 13 December 2019. Collection method: clinical testing. Allele origin: germline.

PreventionGenetics, part of Exact Sciences
Classification: Likely benign for LYST-related condition. Last evaluated: 2020-05-05. Review status: no assertion criteria provided. Collection method: clinical testing. Allele origin: germline. Not counted in ClinVar's aggregate classification.
Comment: This variant is classified as likely benign based on ACMG/AMP sequence variant interpretation guidelines (Richards et al. 2015 PMID: 25741868, with internal and published modifications).

NM_000081.4(LYST):c.*5G>A

Gene: LYST (lysosomal trafficking regulator; minus strand). Cytogenetic location: 1q42.3.
Variant type: single nucleotide variant.
Coding change: c.*5G>A on transcript NM_000081.4 (MANE Select); 5 bases downstream of the stop codon, G replaced by A.
Molecular consequence: 3 prime UTR variant.
Genome position (GRCh38, 1-based): chr1:235,662,935, C>T on the plus strand (G>A on the coding strand, the complement: LYST is on the minus strand). VCF-style: chr1-235662935-C-T. GRCh37 (hg19) VCF-style: chr1-235826235-C-T.
Other names: c.*5G>A (NM_001301365.1).
Identifiers: ClinVar variation 296342 (VCV000296342.10), dbSNP rs200941072, ClinGen allele CA1465132.